The following is an entry in ClinVar:

ClinVar aggregate classification (germline): Conflicting classifications of pathogenicity. Review status: criteria provided, conflicting classifications (1 of 4 stars). 3 submissions from 3 submitters: Uncertain significance (2); Likely benign (1). Last evaluated 2025-11-11.

Conditions:
RYR1-related disorder. Also called: RYR1-related condition; RYR1-related disorders. Identifiers: MedGen CN239331.
Malignant hyperthermia, susceptibility to, 1 (MHS1). Also called: Anesthesia related hyperthermia; Malignant hyperpyrexia; Fulminating hyperpyrexia; Pharmacogenic myopathy; RYR1-Related Malignant Hyperthermia Susceptibility; Malignant hyperthermia suceptibility 1. Identifiers: Orphanet 423, MedGen C2930980, MONDO:0007783, OMIM 145600.

Allele frequency attached by ClinVar (database versions not stated): TOPMed below 0.00001; gnomAD 0.00002; ExAC 0.00008; 1000 Genomes Project 30x 0.00031; 1000 Genomes Project 0.00040.
gnomAD v4.1: 57 of 1,614,056 alleles (0.0035%); highest among the groups gnomAD compares: South Asian, 0.046%; 1 homozygote.

Submissions (3):

Labcorp Genetics (formerly Invitae), Labcorp
Classification: Likely benign for RYR1-related disorder. Last evaluated: 2025-11-11. Review status: criteria provided, single submitter. Criteria: Invitae Variant Classification Sherloc (09022015). Collection method: clinical testing. Allele origin: germline.

Color Diagnostics, LLC DBA Color Health
Classification: Uncertain significance for Malignant hyperthermia, susceptibility to, 1. Last evaluated: 2025-06-18. Review status: criteria provided, single submitter. Criteria: ACMG Guidelines, 2015. Collection method: clinical testing. Allele origin: germline.
Comment: This missense variant replaces arginine with histidine at codon 114 of the RYR1 protein. Computational prediction suggests that this variant may not impact protein structure and function. To our knowledge, functional studies have not been reported for this variant. This variant has not been reported in individuals affected with RYR1-related disorders in the literature. This variant has been identified in 19/251274 chromosomes in the general population by the Genome Aggregation Database (gnomAD). The available evidence is insufficient to determine the role of this variant in disease conclusively. Therefore, this variant is classified as a Variant of Uncertain Significance.

Women's Health and Genetics/Laboratory Corporation of America, LabCorp
Classification: Uncertain significance. Last evaluated: 2024-09-10. Review status: criteria provided, single submitter. Criteria: LabCorp Variant Classification Summary - May 2015. Collection method: clinical testing. Allele origin: germline.
Comment: Variant summary: RYR1 c.341G>A (p.Arg114His) results in a non-conservative amino acid change in the encoded protein sequence. Three of five in-silico tools predict a benign effect of the variant on protein function. The variant allele was found at a frequency of 7.6e-05 in 251274 control chromosomes. This frequency is not significantly higher than estimated for a pathogenic variant in RYR1 causing Congenital Multicore Myopathy With External Ophthalmoplegia, allowing no conclusion about variant significance. To our knowledge, no occurrence of c.341G>A in individuals affected with Congenital Multicore Myopathy With External Ophthalmoplegia and no experimental evidence demonstrating its impact on protein function have been reported. ClinVar contains an entry for this variant (Variation ID: 1119300). Based on the evidence outlined above, the variant was classified as uncertain significance.

NM_000540.3(RYR1):c.341G>A (p.Arg114His)

Gene: RYR1 (ryanodine receptor 1; plus strand). Cytogenetic location: 19q13.2.
Variant type: single nucleotide variant.
Coding change: c.341G>A on transcript NM_000540.3 (MANE Select); coding-DNA position 341, G replaced by A.
Protein change: p.Arg114His; replaces arginine 114 with histidine.
Molecular consequence: missense variant.
Genome position (GRCh38, 1-based): chr19:38,443,628, G>A. VCF-style: chr19-38443628-G-A. GRCh37 (hg19) VCF-style: chr19-38934268-G-A.
Other names: c.341G>A, p.Arg114His (NM_001042723.2); short protein forms R114H.
Identifiers: ClinVar variation 1119300 (VCV001119300.11), dbSNP rs574357386, ClinGen allele CA064819.